The following is an entry in ClinVar:

NM_152419.3(HGSNAT):c.837_838del (p.Leu280fs)

Gene: HGSNAT (heparan-alpha-glucosaminide N-acetyltransferase; plus strand). Cytogenetic location: 8p11.21.
Variant type: Deletion.
Coding change: c.837_838del on transcript NM_152419.3 (MANE Select); coding-DNA positions 837 to 838, 2 bases deleted (CC; older notation c.837_838delCC).
Protein change: p.Leu280fs; shifts the reading frame from leucine 280.
Molecular consequence: frameshift variant. On other transcripts: intron variant (2).
Genome position (GRCh38, 1-based): chr8:43,173,729-43,173,730, CC deleted. VCF-style (leftmost placement, unchanged base first): chr8-43173728-ACC-A. GRCh37 (hg19) VCF-style: chr8-43028871-ACC-A.
Other names: c.837_838del, p.Leu280fs (NM_001363227.2); c.-14+1343_-14+1344del (NM_001363229.2); c.820+1343_820+1344del (NM_001363228.2); short protein forms L280fs.
Identifiers: ClinVar variation 4816875 (VCV004816875.1).

ClinVar aggregate classification (germline): Likely pathogenic (1 of 4 stars; one submission).

Conditions:
Mucopolysaccharidosis, MPS-III-C (MPS3C). Also called: MPS IIIC (Sanfilippo Syndrome Type C); SANFILIPPO SYNDROME C; MPS III C; Mucopolysaccharidosis type IIIC (Sanfilippo C); MUCOPOLYSACCHARIDOSIS, TYPE IIIC; mucopolysaccharidosis type 3C. Identifiers: Orphanet 581, Orphanet 79271, MedGen C0086649, MONDO:0009657, OMIM 252930.

Submission:

Natera, Inc.
Classification: Likely pathogenic for Mucopolysaccharidosis type IIIC. Last evaluated: 2025-01-16. Review status: criteria provided, single submitter. Criteria: Natera Variant Classification Schema (03/2026). Collection method: clinical testing. Allele origin: germline.
Comment: The c.837_838delCC variant in HGSNAT is a frameshift variant predicted to shift the reading frame beginning at codon 280 and leads to a stop codon 88 codons downstream. This variant is expected to result in nonsense mediated decay, truncation, or a dysfunctional protein product. This variant is rare in the general population with a frequency below the threshold expected for the associated phenotype(s). Given the available evidence, this variant is classified as Likely Pathogenic.